The following is an entry in ClinVar:

NM_007126.5(VCP):c.1887T>C (p.Ile629=)

Gene: VCP (valosin containing protein; minus strand). Cytogenetic location: 9p13.3.
Variant type: single nucleotide variant.
Coding change: c.1887T>C on transcript NM_007126.5 (MANE Select); coding-DNA position 1887, T replaced by C.
Protein change: p.Ile629=; no amino-acid change (isoleucine 629 retained).
Molecular consequence: synonymous variant.
Genome position (GRCh38, 1-based): chr9:35,059,610, A>G on the plus strand (T>C on the coding strand, the complement: VCP is on the minus strand). VCF-style: chr9-35059610-A-G. GRCh37 (hg19) VCF-style: chr9-35059607-A-G.
Other names: c.1752T>C, p.Ile584= (NM_001354927.2, NM_001354928.2).
Identifiers: ClinVar variation 733166 (VCV000733166.13), dbSNP rs777402266, ClinGen allele CA5039170.

ClinVar aggregate classification (germline): Likely benign. Review status: criteria provided, multiple submitters, no conflicts (2 of 4 stars). 3 submissions from 3 submitters: Likely benign (3). Last evaluated 2026-03-04.

Conditions:
Inclusion body myopathy with Paget disease of bone and frontotemporal dementia. Also called: Inclusion body myopathy with early-onset Paget disease and frontotemporal dementia. Identifiers: Orphanet 52430, MedGen C1833662, MONDO:0000507.
Frontotemporal dementia and/or amyotrophic lateral sclerosis 6 (FTDALS6). Also called: VCP-Related Amyotrophic Lateral Sclerosis; VCP-Related Amyotrophic Lateral Sclerosis/Frontotemporal Dementia. Identifiers: Orphanet 275872, Orphanet 803, MedGen C5436279, MONDO:0013501, OMIM 613954.
VCP-related disorder. Also called: VCP-related disorders; VCP-related condition.

Allele frequency attached by ClinVar (database versions not stated): gnomAD exomes below 0.00001 and 0.00002; ExAC 0.00001; gnomAD 0.00001; TOPMed 0.00001.
gnomAD v4.1: 9 of 1,614,206 alleles (0.00056%); highest among the groups gnomAD compares: Admixed American, 0.0033%; no homozygotes.

Submissions (3):

PreventionGenetics, part of Exact Sciences
Classification: Likely benign for VCP-related condition. Last evaluated: 2026-03-04. Review status: criteria provided, single submitter. Criteria: ACMG Guidelines, 2015. Collection method: clinical testing. Allele origin: germline.
Comment: This variant is classified as likely benign based on ACMG/AMP sequence variant interpretation guidelines (Richards et al. 2015 PMID: 25741868, with internal and published modifications).

Labcorp Genetics (formerly Invitae), Labcorp
Classification: Likely benign for Inclusion body myopathy with Paget disease of bone and frontotemporal dementia; Frontotemporal dementia and/or amyotrophic lateral sclerosis 6. Last evaluated: 2025-11-26. Review status: criteria provided, single submitter. Criteria: Invitae Variant Classification Sherloc (09022015). Collection method: clinical testing. Allele origin: germline.

Blueprint Genetics
Classification: Likely benign. Last evaluated: 2024-10-25. Review status: criteria provided, single submitter. Criteria: ACMG Guidelines, 2015. Collection method: clinical testing. Allele origin: germline.